The following is an entry in ClinVar:

ClinVar aggregate classification (germline): Uncertain significance. Review status: criteria provided, multiple submitters, no conflicts (2 of 4 stars). 2 submissions from 2 submitters: Uncertain significance (2). Last evaluated 2021-09-14.

Conditions:
Danon disease. Also called: PSEUDOGLYCOGENOSIS II; GSD IIb; LYSOSOMAL GLYCOGEN STORAGE DISEASE WITHOUT ACID MALTASE DEFICIENCY; Glycogen Storage Disease Type IIb; ANTOPOL DISEASE. Identifiers: Orphanet 34587, MedGen C0878677, MONDO:0010281, OMIM 300257.

Submissions (2):

Labcorp Genetics (formerly Invitae), Labcorp
Classification: Uncertain significance for Danon disease. Last evaluated: 2021-09-14. Review status: criteria provided, single submitter. Criteria: Invitae Variant Classification Sherloc (09022015). Collection method: clinical testing. Allele origin: germline.
Comment: This sequence change replaces leucine with proline at codon 296 of the LAMP2 protein (p.Leu296Pro). The leucine residue is highly conserved and there is a moderate physicochemical difference between leucine and proline. This variant is not present in population databases (ExAC no frequency). This variant has not been reported in the literature in individuals affected with LAMP2-related conditions. ClinVar contains an entry for this variant (Variation ID: 180878). Algorithms developed to predict the effect of missense changes on protein structure and function (SIFT, PolyPhen-2, Align-GVGD) all suggest that this variant is likely to be disruptive. In summary, the available evidence is currently insufficient to determine the role of this variant in disease. Therefore, it has been classified as a Variant of Uncertain Significance.

GeneDx
Classification: Uncertain significance. Last evaluated: 2019-05-21. Review status: criteria provided, single submitter. Criteria: GeneDx Variant Classification Process June 2021. Collection method: clinical testing. Allele origin: germline. Affected: yes.
Comment: Not observed in large population cohorts (Lek et al., 2016); In silico analysis, which includes protein predictors and evolutionary conservation, supports a deleterious effect; Has not been previously published as pathogenic or benign to our knowledge

NM_002294.3(LAMP2):c.887T>C (p.Leu296Pro)

Gene: LAMP2 (lysosome associated membrane protein 2; minus strand). Cytogenetic location: Xq24.
Variant type: single nucleotide variant.
Coding change: c.887T>C on transcript NM_002294.3 (MANE Select); coding-DNA position 887, T replaced by C.
Protein change: p.Leu296Pro; replaces leucine 296 with proline.
Molecular consequence: missense variant.
Genome position (GRCh38, 1-based): chrX:120,442,640, A>G on the plus strand (T>C on the coding strand, the complement: LAMP2 is on the minus strand). VCF-style: chrX-120442640-A-G. GRCh37 (hg19) VCF-style: chrX-119576495-A-G.
Other names: p.L296P:CTG>CCG; c.887T>C, p.Leu296Pro (NM_001122606.1, NM_013995.2); short protein forms L296P.
Identifiers: ClinVar variation 180878 (VCV000180878.4), dbSNP rs730880486, ClinGen allele CA333677.